The following is an entry in ClinVar:

ClinVar aggregate classification (germline): Benign/Likely benign. Review status: criteria provided, multiple submitters, no conflicts (2 of 4 stars). 3 submissions from 3 submitters: Benign (1); Likely benign (2). Last evaluated 2025-12-29.

Conditions:
Brown-Vialetto-van Laere syndrome 1. Also called: BROWN-VIALETTO-VAN LAERE SYNDROME 1, MILD; BULBAR PALSY, PROGRESSIVE, WITH SENSORINEURAL DEAFNESS; PONTOBULBAR PALSY WITH DEAFNESS. Identifiers: Orphanet 572550, Orphanet 97229, MedGen C0796274, MONDO:0024537, OMIM 211530.

Allele frequency attached by ClinVar (database versions not stated): 1000 Genomes Project 0.00040; gnomAD below 0.00001 and 0.00009; gnomAD exomes 0.00018 and 0.00039; ExAC 0.00046; TOPMed below 0.00001; 1000 Genomes Project 30x 0.00031.
gnomAD v4.1: 273 of 1,613,732 alleles (0.017%); highest among the groups gnomAD compares: South Asian, 0.29%; 4 homozygotes.

Submissions (3):

Labcorp Genetics (formerly Invitae), Labcorp
Classification: Benign for Brown-Vialetto-van Laere syndrome 1. Last evaluated: 2025-12-29. Review status: criteria provided, single submitter. Criteria: Invitae Variant Classification Sherloc (09022015). Collection method: clinical testing. Allele origin: germline.

Blueprint Genetics
Classification: Likely benign. Last evaluated: 2024-05-10. Review status: criteria provided, single submitter. Criteria: ACMG Guidelines, 2015. Collection method: clinical testing. Allele origin: germline.

Laboratory for Molecular Medicine, Mass General Brigham Personalized Medicine
Classification: Likely benign. Last evaluated: 2017-08-23. Review status: criteria provided, single submitter. Criteria: LMM Criteria. Collection method: clinical testing. Allele origin: germline. Observed: 1 variant allele.
Comment: p.Asn21Asn in exon 2 of SLC52A3: This variant is not expected to have clinical s ignificance because it does not alter an amino acid residue and is not located w ithin the splice consensus sequence. It has been identified in 0.34% (52/15460) of South Asian chromosomes by the Exome Aggregation Consortium (ExAC; dbSNP rs574008733).

NM_033409.4(SLC52A3):c.63T>C (p.Asn21=)

Gene: SLC52A3 (solute carrier family 52 member 3; minus strand). Cytogenetic location: 20p13.
Variant type: single nucleotide variant.
Coding change: c.63T>C on transcript NM_033409.4 (MANE Select); coding-DNA position 63, T replaced by C.
Protein change: p.Asn21=; no amino-acid change (asparagine 21 retained).
Molecular consequence: synonymous variant.
Genome position (GRCh38, 1-based): chr20:765,712, A>G on the plus strand (T>C on the coding strand, the complement: SLC52A3 is on the minus strand). VCF-style: chr20-765712-A-G. GRCh37 (hg19) VCF-style: chr20-746356-A-G.
Other names: c.63T>C, p.Asn21= (NM_001370085.1, NM_001370086.1).
Identifiers: ClinVar variation 666754 (VCV000666754.17), dbSNP rs574008733, ClinGen allele CA9724835.
Genomic context (GRCh38, chr20:765,712, plus strand): 5'-GGGCAGGTACCAGCCCTCGGGCAGCTCCATCACCAGCAGGGGCAGCTCTACCCAGAGCCC[A>G]TTGATGGTCACCCAGGAGCCCATTCCGAAGACGCAGACCAGCAGGTGCATCAGGAAGGCC-3'
Protein context (NP_212134.3, residues 11-31): VFGMGSWVTI[Asn21=]GLWVELPLLV